The following is an entry in ClinVar:

ClinVar aggregate classification (germline): Uncertain significance (1 of 4 stars; one submission).

Submission:

Women's Health and Genetics/Laboratory Corporation of America, LabCorp
Classification: Uncertain significance. Last evaluated: 2025-06-10. Review status: criteria provided, single submitter. Criteria: LabCorp Variant Classification Summary - May 2015. Collection method: clinical testing. Allele origin: germline.
Comment: Variant summary: GATA1 c.*124_*130delAATAAAA is located in the untranslated mRNA region downstream of the termination codon. The variant was absent in 71946 control chromosomes. The available data on variant occurrences in the general population are insufficient to allow any conclusion about variant significance. To our knowledge, no occurrence of c.*124_*130delAATAAAA in individuals affected with GATA1-Related Disorders and no experimental evidence demonstrating its impact on protein function have been reported. No submitters have cited clinical-significance assessments for this variant to ClinVar. Based on the evidence outlined above, the variant was classified as uncertain significance.

NM_002049.4(GATA1):c.*124_*130del

Genes: GATA1 (GATA binding protein 1; plus strand), LOC119407406 (CRISPRi-FlowFISH-validated PQBP1 regulatory element 1; plus strand). Cytogenetic location: Xp11.23.
Variant type: Deletion.
Coding change: c.*124_*130del on transcript NM_002049.4 (MANE Select); 124 bases downstream of the stop codon through 130 bases downstream of the stop codon, 7 bases deleted (AATAAAA; older notation c.*124_*130delAATAAAA).
Molecular consequence: 3 prime UTR variant.
Genome position (GRCh38, 1-based): chrX:48,794,288-48,794,294, AATAAAA deleted; deleting any 7 consecutive bases within chrX:48,794,286-48,794,294 gives the same sequence; the c. name uses the placement nearest the transcript's 3' end. VCF-style (leftmost placement, unchanged base first): chrX-48794285-TAAAATAA-T. GRCh37 (hg19) VCF-style: chrX-48652692-TAAAATAA-T.
Other names: c.*124_*130delAATAAAA (NM_002049.4).
Identifiers: ClinVar variation 3907227 (VCV003907227.1).
Genomic context (GRCh38, chrX:48,794,285, plus strand): 5'-CTGGACAACCCAAGTCTCTGGGCCCCAGGCACCCCCTGGCTTGAACCTTCAAAGCTTTTG[TAAAATAA>T]AACCACCAAAGTCCTGAAATTGTGGGTGTGTCTATGTGTGGCTGAACAGCAGAGCTGAGT-3'